The following is an entry in ClinVar:

ClinVar aggregate classification (germline): Uncertain significance (1 of 4 stars; one submission).

Conditions:
Kabuki syndrome. Also called: NIIKAWA-KUROKI SYNDROME; Kabuki make-up syndrome. Identifiers: Orphanet 2322, MedGen C0796004, MONDO:0016512.

Submission:

Labcorp Genetics (formerly Invitae), Labcorp
Classification: Uncertain significance for Kabuki syndrome. Last evaluated: 2022-10-04. Review status: criteria provided, single submitter. Criteria: Invitae Variant Classification Sherloc (09022015). Collection method: clinical testing. Allele origin: germline.
Comment: This variant, c.3528_3530del, results in the deletion of 1 amino acid(s) of the KMT2D protein (p.Gly1177del), but otherwise preserves the integrity of the reading frame. This variant is not present in population databases (gnomAD no frequency). This variant has not been reported in the literature in individuals affected with KMT2D-related conditions. This variant has been observed in at least one individual who was not affected with KMT2D-related conditions (Invitae). Experimental studies and prediction algorithms are not available or were not evaluated, and the functional significance of this variant is currently unknown. In summary, the available evidence is currently insufficient to determine the role of this variant in disease. Therefore, it has been classified as a Variant of Uncertain Significance.

NM_003482.4(KMT2D):c.3528_3530del (p.Gly1177del)

Genes: KMT2D (lysine methyltransferase 2D; minus strand), LOC126861520 (CDK7 strongly-dependent group 2 enhancer GRCh37_chr12:49442744-49443943; plus strand). Cytogenetic location: 12q13.12.
Variant type: Deletion.
Coding change: c.3528_3530del on transcript NM_003482.4 (MANE Select); coding-DNA positions 3528 to 3530, 3 bases deleted (AGG; older notation c.3528_3530delAGG).
Protein change: p.Gly1177del; deletes glycine 1177.
Molecular consequence: inframe deletion.
Genome position (GRCh38, 1-based): chr12:49,050,058-49,050,060, CCT deleted on the plus strand (AGG on the coding strand, the reverse complement: KMT2D is on the minus strand). VCF-style (leftmost placement, unchanged base first): chr12-49050057-CCCT-C. GRCh37 (hg19) VCF-style: chr12-49443840-CCCT-C.
Other names: short protein forms G1177del.
Identifiers: ClinVar variation 1989080 (VCV001989080.4), dbSNP rs2498444074, ClinGen allele CA2580086381.